The following is an entry in ClinVar:

NM_001999.4(FBN2):c.6881-8T>G

Gene: FBN2 (fibrillin 2; minus strand). Cytogenetic location: 5q23.3.
Variant type: single nucleotide variant.
Coding change: c.6881-8T>G on transcript NM_001999.4 (MANE Select); 8 bases into the intron before coding-DNA position 6881, T replaced by G.
Molecular consequence: intron variant.
Genome position (GRCh38, 1-based): chr5:128,286,857, A>C on the plus strand (T>G on the coding strand, the complement: FBN2 is on the minus strand). VCF-style: chr5-128286857-A-C. GRCh37 (hg19) VCF-style: chr5-127622549-A-C.
Other names: c.6881-8T>G (NM_001999.3).
Identifiers: ClinVar variation 1092662 (VCV001092662.12), dbSNP rs1355994517, ClinGen allele CA562714408.
Genomic context (GRCh38, chr5:128,286,857, plus strand): 5'-CATCATGCCCCTAGATTCACAGTCGTGTAACCCTTCAGCACATTCATCCAGATCTAGAAC[A>C]AAAAATAAAAATTAAAAATTATCTGGAGCAAGCTGTAGTTTAGTACTTTTAAGTCACAGG-3'

ClinVar aggregate classification (germline): Likely benign. Review status: criteria provided, multiple submitters, no conflicts (2 of 4 stars). 3 submissions from 3 submitters: Likely benign (2). 1 of the submissions does not count toward it. Last evaluated 2026-01-06.

Conditions:
FBN2-related disorder. Also called: FBN2-related condition.
Congenital contractural arachnodactyly (CCA). Also called: Arthrogryposis, distal, type 9; BEALS SYNDROME; Beals-Hecht syndrome. Identifiers: Orphanet 115, MedGen C0220668, MONDO:0007363, OMIM 121050.

Allele frequency attached by ClinVar (database versions not stated): gnomAD 0.00001; gnomAD exomes 0.00001 and 0.00003; TOPMed 0.00003.
gnomAD v4.1: 45 of 1,613,572 alleles (0.0028%); highest among the groups gnomAD compares: Non-Finnish European, 0.0037%; no homozygotes.

Submissions (3):

Labcorp Genetics (formerly Invitae), Labcorp
Classification: Likely benign for Congenital contractural arachnodactyly. Last evaluated: 2026-01-06. Review status: criteria provided, single submitter. Criteria: Invitae Variant Classification Sherloc (09022015). Collection method: clinical testing. Allele origin: germline.

Blueprint Genetics
Classification: Likely benign. Last evaluated: 2022-04-06. Review status: criteria provided, single submitter. Criteria: ACMG Guidelines, 2015. Collection method: clinical testing. Allele origin: germline.

PreventionGenetics, part of Exact Sciences
Classification: Likely benign for FBN2-related condition. Last evaluated: 2024-02-14. Review status: no assertion criteria provided. Collection method: clinical testing. Allele origin: germline. Not counted in ClinVar's aggregate classification.
Comment: This variant is classified as likely benign based on ACMG/AMP sequence variant interpretation guidelines (Richards et al. 2015 PMID: 25741868, with internal and published modifications).